The following is an entry in ClinVar:

ClinVar aggregate classification (germline): Benign/Likely benign. Review status: criteria provided, multiple submitters, no conflicts (2 of 4 stars). 3 submissions from 3 submitters: Benign (1); Likely benign (2). Last evaluated 2025-06-22.

Conditions:
Hereditary cancer-predisposing syndrome. Also called: Tumor predisposition; Hereditary neoplastic syndrome; Neoplastic Syndromes, Hereditary; Hereditary Cancer Syndrome. Identifiers: Orphanet 140162, MedGen C0027672, MeSH D009386, MONDO:0015356.
Familial cancer of breast. Also called: BREAST CANCER, FAMILIAL; hereditary breast carcinoma; Hereditary breast cancer. Identifiers: Orphanet 227535, MedGen C0346153, MONDO:0016419, OMIM 114480. Disease mechanism: loss of function.

Allele frequency attached by ClinVar (database versions not stated): gnomAD exomes below 0.00001 and 0.00001; ExAC 0.00001.
gnomAD v4.1: 4 of 1,614,036 alleles (0.00025%); highest among the groups gnomAD compares: South Asian, 0.0022%; no homozygotes.

Submissions (3):

Labcorp Genetics (formerly Invitae), Labcorp
Classification: Likely benign for Familial cancer of breast. Last evaluated: 2025-06-22. Review status: criteria provided, single submitter. Criteria: Invitae Variant Classification Sherloc (09022015). Collection method: clinical testing. Allele origin: germline.

Myriad Genetics, Inc.
Classification: Benign for Familial cancer of breast. Last evaluated: 2025-01-13. Review status: criteria provided, single submitter. Criteria: Myriad Autosomal Dominant, Autosomal Recessive and X-Linked Classification Criteria (2023). Collection method: clinical testing. Allele origin: unknown.
Comment: This variant is considered benign. This variant is a silent/synonymous amino acid change and it is not expected to impact splicing.

Ambry Genetics
Classification: Likely benign for Hereditary cancer-predisposing syndrome. Last evaluated: 2019-06-11. Review status: criteria provided, single submitter. Criteria: Ambry Variant Classification Scheme 2023. Collection method: clinical testing. Allele origin: germline.

NM_024675.4(PALB2):c.1230T>C (p.Val410=)

Gene: PALB2 (partner and localizer of BRCA2; minus strand). Cytogenetic location: 16p12.2.
Variant type: single nucleotide variant.
Coding change: c.1230T>C on transcript NM_024675.4 (MANE Select); coding-DNA position 1230, T replaced by C.
Protein change: p.Val410=; no amino-acid change (valine 410 retained).
Molecular consequence: synonymous variant.
Genome position (GRCh38, 1-based): chr16:23,635,316, A>G on the plus strand (T>C on the coding strand, the complement: PALB2 is on the minus strand). VCF-style: chr16-23635316-A-G. GRCh37 (hg19) VCF-style: chr16-23646637-A-G.
Identifiers: ClinVar variation 136127 (VCV000136127.7), dbSNP rs587780818, ClinGen allele CA332964.